The following is an entry in ClinVar:

NM_139058.3(ARX):c.457G>A (p.Ala153Thr)

Genes: ARX (aristaless related homeobox; minus strand), LOC109610631 (aristaless related homeobox polyalanine expansion region; plus strand). Cytogenetic location: Xp21.3.
Variant type: single nucleotide variant.
Coding change: c.457G>A on transcript NM_139058.3 (MANE Select); coding-DNA position 457, G replaced by A.
Protein change: p.Ala153Thr; replaces alanine 153 with threonine.
Molecular consequence: missense variant.
Genome position (GRCh38, 1-based): chrX:25,013,538, C>T on the plus strand (G>A on the coding strand, the complement: ARX is on the minus strand). VCF-style: chrX-25013538-C-T. GRCh37 (hg19) VCF-style: chrX-25031655-C-T.
Other names: short protein forms A153T.
Identifiers: ClinVar variation 1131962 (VCV001131962.15), dbSNP rs2048712192, ClinGen allele CA412613147.

ClinVar aggregate classification (germline): Conflicting classifications of pathogenicity. Review status: criteria provided, conflicting classifications (1 of 4 stars). 2 submissions from 2 submitters: Uncertain significance (1); Likely benign (1). Last evaluated 2025-11-01.

Conditions:
Intellectual disability, X-linked, with or without seizures, ARX-related. Also called: INTELLECTUAL DEVELOPMENTAL DISORDER, X-LINKED 29; Mental retardation, X-linked 52; MENTAL RETARDATION, X-LINKED 29; MENTAL RETARDATION, X-LINKED 32; MENTAL RETARDATION, X-LINKED 33; MENTAL RETARDATION, X-LINKED 38. Identifiers: Orphanet 777, MedGen C0796244, MONDO:0010317, OMIM 300419.
Developmental and epileptic encephalopathy, 1 (DEE1). Also called: X-linked infantile spasms; West's syndrome; Tonic spasms with clustering, arrest of psychomotor development and hypsarrhythmia on EEG; X-Linked Infantile Spasm Syndrome; INFANTILE SPASM SYNDROME, X-LINKED 1; OHTAHARA SYNDROME, X-LINKED. Identifiers: MedGen C3463992, MONDO:0010632, OMIM 308350. Disease mechanism: loss of function.

Allele frequency attached by ClinVar (database versions not stated): TOPMed 0.00001.

Submissions (2):

CeGaT Center for Human Genetics Tuebingen
Classification: Uncertain significance. Last evaluated: 2025-11-01. Review status: criteria provided, single submitter. Criteria: CeGaT Center For Human Genetics Tuebingen Variant Classification Criteria Version 2. Collection method: clinical testing. Allele origin: germline. Affected: yes. Observed: 1 variant allele.
Comment: ARX: PM2

Labcorp Genetics (formerly Invitae), Labcorp
Classification: Likely benign for Developmental and epileptic encephalopathy, 1; Intellectual disability, X-linked, with or without seizures, ARX-related. Last evaluated: 2019-11-14. Review status: criteria provided, single submitter. Criteria: Invitae Variant Classification Sherloc (09022015). Collection method: clinical testing. Allele origin: germline.